The following is an entry in ClinVar:

ClinVar aggregate classification (germline): Uncertain significance (1 of 4 stars; one submission).

gnomAD v4.1: 2 of 1,580,136 alleles (0.00013%); highest among the groups gnomAD compares: Non-Finnish European, 0.00017%; no homozygotes.

Submission:

Women's Health and Genetics/Laboratory Corporation of America, LabCorp
Classification: Uncertain significance. Last evaluated: 2026-06-19. Review status: criteria provided, single submitter. Criteria: LabCorp Variant Classification Summary - May 2015. Collection method: clinical testing. Allele origin: germline.
Comment: Variant summary: SIN3A c.743C>T (p.Ala248Val) results in a non-conservative amino acid change in the encoded protein sequence. Algorithms developed to predict the effect of missense changes on protein structure and function are either unavailable or do not agree on the potential impact of this missense change. The variant was absent in 235842 control chromosomes. The available data on variant occurrences in the general population are insufficient to allow any conclusion about variant significance. To our knowledge, no occurrence of c.743C>T in individuals affected with SIN3A-related conditions and no experimental evidence demonstrating its impact on protein function have been reported. No submitters have cited clinical-significance assessments for this variant to ClinVar. Based on the evidence outlined above, the variant was classified as uncertain significance.

NM_001145358.2(SIN3A):c.743C>T (p.Ala248Val)

Gene: SIN3A (SIN3 transcription regulator family member A; minus strand). Cytogenetic location: 15q24.2.
Variant type: single nucleotide variant.
Coding change: c.743C>T on transcript NM_001145358.2 (MANE Select); coding-DNA position 743, C replaced by T.
Protein change: p.Ala248Val; replaces alanine 248 with valine.
Molecular consequence: missense variant.
Genome position (GRCh38, 1-based): chr15:75,412,776, G>A on the plus strand (C>T on the coding strand, the complement: SIN3A is on the minus strand). VCF-style: chr15-75412776-G-A. GRCh37 (hg19) VCF-style: chr15-75705117-G-A.
Other names: c.743C>T, p.Ala248Val (NM_001145357.2, NM_001437462.1, NM_001437463.1 and 1 more transcripts); short protein forms A248V.
Identifiers: ClinVar variation 4887113 (VCV004887113.1).